The following is an entry in ClinVar:

NM_001128159.3(VPS53):c.1299_1300del (p.Glu434fs)

Gene: VPS53 (VPS53 subunit of GARP complex; minus strand). Cytogenetic location: 17p13.3.
Variant type: Deletion.
Coding change: c.1299_1300del on transcript NM_001128159.3 (MANE Select); coding-DNA positions 1299 to 1300, 2 bases deleted (CG; older notation c.1299_1300delCG).
Protein change: p.Glu434fs; shifts the reading frame from glutamic acid 434.
Molecular consequence: frameshift variant.
Genome position (GRCh38, 1-based): chr17:586,283-586,284, CG deleted on the plus strand (CG on the coding strand, the reverse complement: VPS53 is on the minus strand). VCF-style (leftmost placement, unchanged base first): chr17-586282-TCG-T. GRCh37 (hg19) VCF-style: chr17-489522-TCG-T.
Other names: c.1299_1300del, p.Glu434fs (NM_001366253.2); c.705_706del, p.Glu236fs (NM_001366254.2); c.1212_1213del, p.Glu405fs (NM_018289.4); short protein forms E236fs, E405fs, E434fs.
Identifiers: ClinVar variation 5013396 (VCV005013396.1).
Genomic context (GRCh38, chr17:586,282, plus strand): 5'-AGAGCGGCGAGAAATGCAGGCAGAAAACAGCGAATGTTCCTCACTCACTTGTCTTGGGAT[TCG>T]ATATACACGTAGAGATGAGGCTCAAAACACTTGGAAACAATGCCATGAAATGGATTGTCT-3'

ClinVar aggregate classification (germline): Pathogenic (1 of 4 stars; one submission).

Conditions:
Pontocerebellar hypoplasia type 2E. Identifiers: Orphanet 247198, MedGen C4014488, MONDO:0014370, OMIM 615851.

Submission:

Myriad Genetics, Inc.
Classification: Pathogenic for Pontocerebellar hypoplasia type 2E. Last evaluated: 2024-08-01. Review status: criteria provided, single submitter. Criteria: Myriad Autosomal Dominant, Autosomal Recessive and X-Linked Classification Criteria (2023). Collection method: clinical testing. Allele origin: unknown.
Comment: NM_001128159.2(VPS53):c.1299_1300delCG(E434Ifs*16) is expected to be pathogenic in the context of pontocerebellar hypoplasia, VPS53-related. This variant is predicted to lead to an abnormal or absent protein product due to the creation of a premature termination codon in VPS53, a gene where loss-of-function variants are known to be pathogenic. Please note: this variant was assessed in the context of healthy population screening.